The following is an entry in ClinVar:

ClinVar aggregate classification (germline): Uncertain significance (1 of 4 stars; one submission).

Allele frequency attached by ClinVar (database versions not stated): gnomAD exomes below 0.00001; ExAC 0.00001; gnomAD 0.00005; TOPMed 0.00006; ESP Exome Variant Server 0.00008.

Submission:

Labcorp Genetics (formerly Invitae), Labcorp
Classification: Uncertain significance. Last evaluated: 2022-08-16. Review status: criteria provided, single submitter. Criteria: Invitae Variant Classification Sherloc (09022015). Collection method: clinical testing. Allele origin: germline.
Comment: Algorithms developed to predict the effect of missense changes on protein structure and function are either unavailable or do not agree on the potential impact of this missense change (SIFT: "Deleterious"; PolyPhen-2: "Benign"; Align-GVGD: "Class C15"). In summary, the available evidence is currently insufficient to determine the role of this variant in disease. Therefore, it has been classified as a Variant of Uncertain Significance. This variant has not been reported in the literature in individuals affected with SLC24A5-related conditions. This variant is present in population databases (rs143129031, gnomAD 0.02%). This sequence change replaces leucine, which is neutral and non-polar, with valine, which is neutral and non-polar, at codon 150 of the SLC24A5 protein (p.Leu150Val).

NM_205850.3(SLC24A5):c.448C>G (p.Leu150Val)

Gene: SLC24A5 (solute carrier family 24 member 5; plus strand). Cytogenetic location: 15q21.1.
Variant type: single nucleotide variant.
Coding change: c.448C>G on transcript NM_205850.3 (MANE Select); coding-DNA position 448, C replaced by G.
Protein change: p.Leu150Val; replaces leucine 150 with valine.
Molecular consequence: missense variant.
Genome position (GRCh38, 1-based): chr15:48,134,497, C>G. VCF-style: chr15-48134497-C-G. GRCh37 (hg19) VCF-style: chr15-48426694-C-G.
Other names: short protein forms L150V.
Identifiers: ClinVar variation 2200122 (VCV002200122.2), dbSNP rs143129031, ClinGen allele CA7545876.